The following is an entry in ClinVar:

ClinVar aggregate classification (germline): Uncertain significance (1 of 4 stars; one submission).

Allele frequency attached by ClinVar (database versions not stated): ExAC 0.00001.

Submission:

Labcorp Genetics (formerly Invitae), Labcorp
Classification: Uncertain significance. Last evaluated: 2022-09-25. Review status: criteria provided, single submitter. Criteria: Invitae Variant Classification Sherloc (09022015). Collection method: clinical testing. Allele origin: germline.
Comment: This sequence change disrupts the translational stop signal of the IL21 mRNA. It is expected to extend the length of the IL21 protein by 15 additional amino acid residues. In summary, the available evidence is currently insufficient to determine the role of this variant in disease. Therefore, it has been classified as a Variant of Uncertain Significance. This variant has not been reported in the literature in individuals affected with IL21-related conditions. This variant is present in population databases (rs750573471, gnomAD 0.003%).

NM_021803.4(IL21):c.487T>C (p.Ter163Arg)

Gene: IL21 (interleukin 21; minus strand). Cytogenetic location: 4q27.
Variant type: single nucleotide variant.
Coding change: c.487T>C on transcript NM_021803.4 (MANE Select); coding-DNA position 487, T replaced by C.
Protein change: p.Ter163Arg.
Molecular consequence: stop lost. On other transcripts: 3 prime UTR variant (1).
Genome position (GRCh38, 1-based): chr4:122,612,712, A>G on the plus strand (T>C on the coding strand, the complement: IL21 is on the minus strand). VCF-style: chr4-122612712-A-G. GRCh37 (hg19) VCF-style: chr4-123533867-A-G.
Other names: c.*115T>C (NM_001207006.3).
Identifiers: ClinVar variation 2032567 (VCV002032567.4), dbSNP rs750573471, ClinGen allele CA3069085.
Genomic context (GRCh38, chr4:122,612,712, plus strand): 5'-ATGACTTTCACTACTATATTAGAGTATGTAACATAGTGTCCAACTGCAAGTTAGATCCTC[A>G]GGAATCTTCACTTCCGTGTGTTCTAGAGGACAGATGCTGATGAATCATCTGTGGAAATAG-3'